The following is an entry in ClinVar:

NM_021975.4(RELA):c.1457C>T (p.Pro486Leu)

Gene: RELA (RELA proto-oncogene, NF-kB subunit; minus strand). Cytogenetic location: 11q13.1.
Variant type: single nucleotide variant.
Coding change: c.1457C>T on transcript NM_021975.4 (MANE Select); coding-DNA position 1457, C replaced by T.
Protein change: p.Pro486Leu; replaces proline 486 with leucine.
Molecular consequence: missense variant. On other transcripts: intron variant (1).
Genome position (GRCh38, 1-based): chr11:65,654,577, G>A on the plus strand (C>T on the coding strand, the complement: RELA is on the minus strand). VCF-style: chr11-65654577-G-A. GRCh37 (hg19) VCF-style: chr11-65422048-G-A.
Other names: c.1457C>T (NM_021975.3); c.1448C>T, p.Pro483Leu (NM_001145138.2); c.1250C>T, p.Pro417Leu (NM_001243984.2); c.1490C>T, p.Pro497Leu (NM_001404657.1); c.1430C>T, p.Pro477Leu (NM_001404658.1); c.1244C>T, p.Pro415Leu (NM_001404659.1); c.1139C>T, p.Pro380Leu (NM_001404660.1); c.1076C>T, p.Pro359Leu (NM_001404661.1); and 2 more; short protein forms P455L, P477L, P359L, P483L, P486L, P380L, P415L, P417L.
Identifiers: ClinVar variation 1913593 (VCV001913593.6), dbSNP rs566890727, ClinGen allele CA6106594.

ClinVar aggregate classification (germline): Uncertain significance. Review status: criteria provided, multiple submitters, no conflicts (2 of 4 stars). 2 submissions from 2 submitters: Uncertain significance (2). Last evaluated 2025-03-17.

Allele frequency attached by ClinVar (database versions not stated): ExAC 0.00002; gnomAD 0.00005; TOPMed 0.00007; 1000 Genomes Project 30x 0.00016; 1000 Genomes Project 0.00020.
gnomAD v4.1: 23 of 1,613,564 alleles (0.0014%); highest among the groups gnomAD compares: African/African-American, 0.028%; no homozygotes.

Submissions (2):

Ambry Genetics
Classification: Uncertain significance. Last evaluated: 2025-03-17. Review status: criteria provided, single submitter. Criteria: Ambry Variant Classification Scheme 2023. Collection method: clinical testing. Allele origin: germline.

Labcorp Genetics (formerly Invitae), Labcorp
Classification: Uncertain significance. Last evaluated: 2025-02-17. Review status: criteria provided, single submitter. Criteria: Invitae Variant Classification Sherloc (09022015). Collection method: clinical testing. Allele origin: germline.
Comment: This sequence change replaces proline, which is neutral and non-polar, with leucine, which is neutral and non-polar, at codon 486 of the RELA protein (p.Pro486Leu). This variant is present in population databases (rs566890727, gnomAD 0.02%). This variant has not been reported in the literature in individuals affected with RELA-related conditions. ClinVar contains an entry for this variant (Variation ID: 1913593). An algorithm developed to predict the effect of missense changes on protein structure and function outputs the following: PolyPhen-2: "Benign". The leucine amino acid residue is found in multiple mammalian species, which suggests that this missense change does not adversely affect protein function. In summary, the available evidence is currently insufficient to determine the role of this variant in disease. Therefore, it has been classified as a Variant of Uncertain Significance.